The following continues an entry in ClinVar:

NM_194318.4(B3GLCT):c.1105G>A (p.Gly369Ser)

Gene: B3GLCT. ClinVar aggregate classification (germline): Benign/Likely benign. Benign (3); Likely benign (2).

Submissions 32 to 55 of 55:

Dr. Peter K. Rogan Lab, Western University
No classification provided (evidence only). Condition: Sarcoma. Review status: no classification provided. Collection method: in vitro. Allele origin: not applicable. Functional consequence: retained intron. Not counted in ClinVar's aggregate classification.

Dr. Peter K. Rogan Lab, Western University
No classification provided (evidence only). Condition: Sarcoma. Review status: no classification provided. Collection method: in vitro. Allele origin: not applicable. Functional consequence: skipped exon, retained intron. Not counted in ClinVar's aggregate classification.

Dr. Peter K. Rogan Lab, Western University
No classification provided (evidence only). Condition: Sarcoma. Review status: no classification provided. Collection method: in vitro. Allele origin: not applicable. Functional consequence: retained intron. Not counted in ClinVar's aggregate classification.

Dr. Peter K. Rogan Lab, Western University
No classification provided (evidence only). Condition: Sarcoma. Review status: no classification provided. Collection method: in vitro. Allele origin: not applicable. Functional consequence: retained intron. Not counted in ClinVar's aggregate classification.

Dr. Peter K. Rogan Lab, Western University
No classification provided (evidence only). Condition: Sarcoma. Review status: no classification provided. Collection method: in vitro. Allele origin: not applicable. Functional consequence: skipped exon, retained intron. Not counted in ClinVar's aggregate classification.

Dr. Peter K. Rogan Lab, Western University
No classification provided (evidence only). Condition: Sarcoma. Review status: no classification provided. Collection method: in vitro. Allele origin: not applicable. Functional consequence: retained intron. Not counted in ClinVar's aggregate classification.

Dr. Peter K. Rogan Lab, Western University
No classification provided (evidence only). Condition: Sarcoma. Review status: no classification provided. Collection method: in vitro. Allele origin: not applicable. Functional consequence: skipped exon. Not counted in ClinVar's aggregate classification.

Dr. Peter K. Rogan Lab, Western University
No classification provided (evidence only). Condition: Hepatocellular carcinoma. Review status: no classification provided. Collection method: in vitro. Allele origin: not applicable. Functional consequence: retained intron. Not counted in ClinVar's aggregate classification.

Dr. Peter K. Rogan Lab, Western University
No classification provided (evidence only). Condition: Hepatocellular carcinoma. Review status: no classification provided. Collection method: in vitro. Allele origin: not applicable. Functional consequence: retained intron. Not counted in ClinVar's aggregate classification.

Dr. Peter K. Rogan Lab, Western University
No classification provided (evidence only). Condition: Hepatocellular carcinoma. Review status: no classification provided. Collection method: in vitro. Allele origin: not applicable. Functional consequence: skipped exon, retained intron. Not counted in ClinVar's aggregate classification.

Dr. Peter K. Rogan Lab, Western University
No classification provided (evidence only). Condition: Hepatocellular carcinoma. Review status: no classification provided. Collection method: in vitro. Allele origin: not applicable. Functional consequence: retained intron. Not counted in ClinVar's aggregate classification.

Dr. Peter K. Rogan Lab, Western University
No classification provided (evidence only). Condition: Hepatocellular carcinoma. Review status: no classification provided. Collection method: in vitro. Allele origin: not applicable. Functional consequence: skipped exon. Not counted in ClinVar's aggregate classification.

Dr. Peter K. Rogan Lab, Western University
No classification provided (evidence only). Condition: Hepatocellular carcinoma. Review status: no classification provided. Collection method: in vitro. Allele origin: not applicable. Functional consequence: retained intron. Not counted in ClinVar's aggregate classification.

Dr. Peter K. Rogan Lab, Western University
No classification provided (evidence only). Condition: Nonpapillary renal cell carcinoma. Review status: no classification provided. Collection method: in vitro. Allele origin: not applicable. Functional consequence: retained intron. Not counted in ClinVar's aggregate classification.

Dr. Peter K. Rogan Lab, Western University
No classification provided (evidence only). Condition: Nonpapillary renal cell carcinoma. Review status: no classification provided. Collection method: in vitro. Allele origin: not applicable. Functional consequence: retained intron. Not counted in ClinVar's aggregate classification.

Dr. Peter K. Rogan Lab, Western University
No classification provided (evidence only). Condition: Nonpapillary renal cell carcinoma. Review status: no classification provided. Collection method: in vitro. Allele origin: not applicable. Functional consequence: retained intron. Not counted in ClinVar's aggregate classification.

Dr. Peter K. Rogan Lab, Western University
No classification provided (evidence only). Condition: Thymoma. Review status: no classification provided. Collection method: in vitro. Allele origin: not applicable. Functional consequence: retained intron. Not counted in ClinVar's aggregate classification.

Dr. Peter K. Rogan Lab, Western University
No classification provided (evidence only). Condition: Uterine carcinosarcoma. Review status: no classification provided. Collection method: in vitro. Allele origin: not applicable. Functional consequence: skipped exon. Not counted in ClinVar's aggregate classification.

Dr. Peter K. Rogan Lab, Western University
No classification provided (evidence only). Condition: Uterine carcinosarcoma. Review status: no classification provided. Collection method: in vitro. Allele origin: not applicable. Functional consequence: retained intron. Not counted in ClinVar's aggregate classification.

Dr. Peter K. Rogan Lab, Western University
No classification provided (evidence only). Condition: Uveal melanoma. Review status: no classification provided. Collection method: in vitro. Allele origin: not applicable. Functional consequence: skipped exon, retained intron. Not counted in ClinVar's aggregate classification.

Dr. Peter K. Rogan Lab, Western University
No classification provided (evidence only). Condition: Uveal melanoma. Review status: no classification provided. Collection method: in vitro. Allele origin: not applicable. Functional consequence: retained intron. Not counted in ClinVar's aggregate classification.

Dr. Peter K. Rogan Lab, Western University
No classification provided (evidence only). Condition: Uveal melanoma. Review status: no classification provided. Collection method: in vitro. Allele origin: not applicable. Functional consequence: retained intron. Not counted in ClinVar's aggregate classification.

Genome Diagnostics Laboratory, University Medical Center Utrecht
Classification: Benign. Review status: no assertion criteria provided. Collection method: clinical testing. Allele origin: germline. Affected: yes. Study: VKGL Data-share Consensus. Not counted in ClinVar's aggregate classification.

Laboratory of Diagnostic Genome Analysis, Leiden University Medical Center (LUMC)
Classification: Likely benign. Review status: no assertion criteria provided. Collection method: clinical testing. Allele origin: germline. Affected: yes. Study: VKGL Data-share Consensus. Not counted in ClinVar's aggregate classification.